The following is an entry in ClinVar:

ClinVar aggregate classification (germline): Uncertain significance. Review status: criteria provided, multiple submitters, no conflicts (2 of 4 stars). 3 submissions from 3 submitters: Uncertain significance (2). 1 of the submissions does not count toward it. Last evaluated 2022-05-04.

Conditions:
SLC5A1-related disorder. Also called: SLC5A1-related condition.
Congenital glucose-galactose malabsorption (GGM). Also called: DIARRHEA 16; MONOSACCHARIDE MALABSORPTION. Identifiers: Orphanet 35710, MedGen C0268186, MONDO:0011731, OMIM 606824.
Inborn genetic diseases. Identifiers: MedGen C0950123, MeSH D030342.

Submissions (3):

Fulgent Genetics
Classification: Uncertain significance for Congenital glucose-galactose malabsorption. Last evaluated: 2022-05-04. Review status: criteria provided, single submitter. Criteria: ACMG Guidelines, 2015. Collection method: clinical testing. Allele origin: unknown.

Ambry Genetics
Classification: Uncertain significance for Inborn genetic diseases. Last evaluated: 2017-04-13. Review status: criteria provided, single submitter. Criteria: Ambry exome assertion method (8-5-2015). Collection method: clinical testing. Allele origin: germline. Affected: yes. Observed: 1 variant allele.

PreventionGenetics, part of Exact Sciences
Classification: Uncertain significance for SLC5A1-related condition. Last evaluated: 2024-07-08. Review status: no assertion criteria provided. Collection method: clinical testing. Allele origin: germline. Not counted in ClinVar's aggregate classification.
Comment: The SLC5A1 c.685_696del12 variant is predicted to result in an in-frame deletion (p.Tyr229_Phe232del). To our knowledge, this variant has not been reported in the literature or in a large population database, indicating this variant is rare. At this time, the clinical significance of this variant is uncertain due to the absence of conclusive functional and genetic evidence.

NM_000343.4(SLC5A1):c.685_696del (p.Tyr229_Phe232del)

Gene: SLC5A1 (solute carrier family 5 member 1; plus strand). Cytogenetic location: 22q12.3.
Variant type: Deletion.
Coding change: c.685_696del on transcript NM_000343.4 (MANE Select); coding-DNA positions 685 to 696, 12 bases deleted (TATGACGCCTTC).
Protein change: p.Tyr229_Phe232del.
Molecular consequence: inframe deletion.
Genome position (GRCh38, 1-based): chr22:32,084,459-32,084,470, TATGACGCCTTC deleted; deleting any 12 consecutive bases within chr22:32,084,458-32,084,470 gives the same sequence; the c. name uses the placement nearest the transcript's 3' end. VCF-style (leftmost placement, unchanged base first): chr22-32084457-GCTATGACGCCTT-G. GRCh37 (hg19) VCF-style: chr22-32480444-GCTATGACGCCTT-G.
Other names: c.304_315del, p.Tyr102_Phe105del (NM_001256314.2).
Identifiers: ClinVar variation 521666 (VCV000521666.7), dbSNP rs1555965813, ClinGen allele CA658799539.